The following is an entry in ClinVar:

NM_000179.3(MSH6):c.2453T>C (p.Leu818Pro)

Gene: MSH6 (mutS homolog 6; plus strand). Cytogenetic location: 2p16.3.
Variant type: single nucleotide variant.
Coding change: c.2453T>C on transcript NM_000179.3 (MANE Select); coding-DNA position 2453, T replaced by C.
Protein change: p.Leu818Pro; replaces leucine 818 with proline.
Molecular consequence: missense variant.
Genome position (GRCh38, 1-based): chr2:47,800,436, T>C. VCF-style: chr2-47800436-T-C. GRCh37 (hg19) VCF-style: chr2-48027575-T-C.
Other names: c.2063T>C, p.Leu688Pro (NM_001281492.2); c.1547T>C, p.Leu516Pro (NM_001281493.2, NM_001281494.2, NM_001406811.1 and 6 more transcripts); c.2549T>C, p.Leu850Pro (NM_001406795.1, NM_001406802.1); c.2453T>C, p.Leu818Pro (NM_001406796.1, NM_001406798.1, NM_001406800.1 and 2 more transcripts); c.2156T>C, p.Leu719Pro (NM_001406797.1, NM_001406801.1, NM_001406805.1 and 10 more transcripts); c.1928T>C, p.Leu643Pro (NM_001406799.1, NM_001406806.1, NM_001406807.1); c.2375T>C, p.Leu792Pro (NM_001406804.1); c.2459T>C, p.Leu820Pro (NM_001406813.1); and 1 more; short protein forms L643P, L792P, L516P, L688P, L818P, L719P, L762P, L820P.
Identifiers: ClinVar variation 1791527 (VCV001791527.3), dbSNP rs2104407584, ClinGen allele CA346754074.
Genomic context (GRCh38, chr2:47,800,436, plus strand): 5'-TCATGGTTGTGCCTGACAAAATCTCCGAAGTTGTAGAGCTTCTAAAGAAGCTTCCAGATC[T>C]TGAGAGGCTACTCAGTAAAATTCATAATGTTGGGTCTCCCCTGAAGAGTCAGAACCACCC-3'
Protein context (NP_000170.1, residues 808-828): VVELLKKLPD[Leu818Pro]ERLLSKIHNV

ClinVar aggregate classification (germline): Uncertain significance (1 of 4 stars; one submission).

Conditions:
Hereditary cancer-predisposing syndrome. Also called: Hereditary Cancer Syndrome; Hereditary neoplastic syndrome; Tumor predisposition; Neoplastic Syndromes, Hereditary. Identifiers: Orphanet 140162, MedGen C0027672, MeSH D009386, MONDO:0015356.

Submission:

Ambry Genetics
Classification: Uncertain significance for Hereditary cancer-predisposing syndrome. Last evaluated: 2025-01-14. Review status: criteria provided, single submitter. Criteria: Ambry Variant Classification Scheme 2023. Collection method: clinical testing. Allele origin: germline.
Comment: The p.L818P variant (also known as c.2453T>C), located in coding exon 4 of the MSH6 gene, results from a T to C substitution at nucleotide position 2453. The leucine at codon 818 is replaced by proline, an amino acid with similar properties. This amino acid position is highly conserved in available vertebrate species. In addition, this alteration is predicted to be deleterious by in silico analysis. Based on the available evidence, the clinical significance of this variant remains unclear.